The following is an entry in ClinVar:

NM_005045.4(RELN):c.6073A>T (p.Ile2025Phe)

Gene: RELN (reelin; minus strand). Cytogenetic location: 7q22.1.
Variant type: single nucleotide variant.
Coding change: c.6073A>T on transcript NM_005045.4 (MANE Select); coding-DNA position 6073, A replaced by T.
Protein change: p.Ile2025Phe; replaces isoleucine 2025 with phenylalanine.
Molecular consequence: missense variant.
Genome position (GRCh38, 1-based): chr7:103,551,296, T>A on the plus strand (A>T on the coding strand, the complement: RELN is on the minus strand). VCF-style: chr7-103551296-T-A. GRCh37 (hg19) VCF-style: chr7-103191743-T-A.
Other names: c.6073A>T, p.Ile2025Phe (NM_173054.3); short protein forms I2025F.
Identifiers: ClinVar variation 4782926 (VCV004782926.1).
Genomic context (GRCh38, chr7:103,551,296, plus strand): 5'-TTGAAAATTCCAGTCTCACTGGATCCGCGGATGAGCTATCAGTCGAACAGCCAACGTTGA[T>A]CTTGGGGATGAAGAAAAAAATGATACAAATTACCTCAGAGCAACAAGCCTTGAAATGATT-3'
Protein context (NP_005036.2, residues 2015-2035): VNENTIIQFE[Ile2025Phe]NVGCSTDSSS

ClinVar aggregate classification (germline): Uncertain significance (1 of 4 stars; one submission).

Conditions:
Norman-Roberts syndrome (LIS2). Also called: Lissencephaly 2 (Norman-Roberts type). Identifiers: Orphanet 89844, MedGen C0796089, MONDO:0009760, OMIM 257320.
Familial temporal lobe epilepsy 7. Identifiers: Orphanet 101046, MedGen C4225327, MONDO:0014639, OMIM 616436.

gnomAD v4.1: 1 of 1,610,780 alleles (0.000062%); highest among the groups gnomAD compares: East Asian, 0.0022%; no homozygotes.

Submission:

Labcorp Genetics (formerly Invitae), Labcorp
Classification: Uncertain significance for Familial temporal lobe epilepsy 7; Norman-Roberts syndrome. Last evaluated: 2025-06-08. Review status: criteria provided, single submitter. Criteria: Invitae Variant Classification Sherloc (09022015). Collection method: clinical testing. Allele origin: germline.
Comment: This sequence change replaces isoleucine, which is neutral and non-polar, with phenylalanine, which is neutral and non-polar, at codon 2025 of the RELN protein (p.Ile2025Phe). This variant is not present in population databases (gnomAD no frequency). This variant has not been reported in the literature in individuals affected with RELN-related conditions. An algorithm developed to predict the effect of missense changes on protein structure and function (PolyPhen-2) suggests that this variant is likely to be disruptive. In summary, the available evidence is currently insufficient to determine the role of this variant in disease. Therefore, it has been classified as a Variant of Uncertain Significance.